The following is an entry in ClinVar:

NM_017763.6(RNF43):c.516G>A (p.Leu172=)

Gene: RNF43 (ring finger protein 43; minus strand). Cytogenetic location: 17q22.
Variant type: single nucleotide variant.
Coding change: c.516G>A on transcript NM_017763.6 (MANE Select); coding-DNA position 516, G replaced by A.
Protein change: p.Leu172=; no amino-acid change (leucine 172 retained).
Molecular consequence: synonymous variant.
Genome position (GRCh38, 1-based): chr17:58,363,341, C>T on the plus strand (G>A on the coding strand, the complement: RNF43 is on the minus strand). VCF-style: chr17-58363341-C-T. GRCh37 (hg19) VCF-style: chr17-56440702-C-T.
Other names: c.516G>A, p.Leu172= (NM_001305544.3); c.135G>A, p.Leu45= (NM_001305545.2); c.516G>A (NM_017763.4).
Identifiers: ClinVar variation 3625306 (VCV003625306.4).
Genomic context (GRCh38, chr17:58,363,341, plus strand): 5'-CGGGGGCTCCTTCAGCTCAATCCTCACATGGGCCTTTTGGTTCTTGTACACAAACTCCAT[C>T]AGCTTCTCAGCGTCATTACCCCAGATCAACACCACTGGCCAGGTCAGCCCCAGCGGCTGC-3'
Protein context (NP_060233.3, residues 162-182): VLIWGNDAEK[Leu172=]MEFVYKNQKA

ClinVar aggregate classification (germline): Benign/Likely benign. Review status: criteria provided, multiple submitters, no conflicts (2 of 4 stars). 3 submissions from 3 submitters: Benign (1); Likely benign (2). Last evaluated 2026-06-30.

Conditions:
Sessile serrated polyposis cancer syndrome (SSPCS). Identifiers: Orphanet 157798, MedGen C4310714, MONDO:0014919, OMIM 617108.

gnomAD v4.1: 10 of 1,613,906 alleles (0.00062%); highest among the groups gnomAD compares: East Asian, 0.02%; no homozygotes.

Submissions (3):

Myriad Genetics, Inc.
Classification: Benign for Sessile serrated polyposis cancer syndrome. Last evaluated: 2026-06-30. Review status: criteria provided, single submitter. Criteria: Myriad Autosomal Dominant, Autosomal Recessive and X-Linked Classification Criteria (2023). Collection method: clinical testing. Allele origin: unknown.
Comment: This variant is considered benign. This variant is a silent/synonymous amino acid change and it is not expected to impact splicing.

Ambry Genetics
Classification: Likely benign. Last evaluated: 2025-12-07. Review status: criteria provided, single submitter. Criteria: Ambry Variant Classification Scheme 2023. Collection method: clinical testing. Allele origin: germline.

Labcorp Genetics (formerly Invitae), Labcorp
Classification: Likely benign. Last evaluated: 2025-02-03. Review status: criteria provided, single submitter. Criteria: Invitae Variant Classification Sherloc (09022015). Collection method: clinical testing. Allele origin: germline.